The following is an entry in ClinVar:

NM_001204.7(BMPR2):c.1055_1061del (p.Phe352fs)

Gene: BMPR2 (bone morphogenetic protein receptor type 2; plus strand). Cytogenetic location: 2q33.2.
Variant type: Deletion.
Coding change: c.1055_1061del on transcript NM_001204.7 (MANE Select); coding-DNA positions 1055 to 1061, 7 bases deleted (TTGGACT; older notation c.1055_1061delTTGGACT).
Protein change: p.Phe352fs; shifts the reading frame from phenylalanine 352.
Molecular consequence: frameshift variant.
Genome position (GRCh38, 1-based): chr2:202,530,881-202,530,887, TTGGACT deleted; deleting any 7 consecutive bases within chr2:202,530,877-202,530,887 gives the same sequence; the c. name uses the placement nearest the transcript's 3' end. VCF-style (leftmost placement, unchanged base first): chr2-202530876-TGACTTTG-T. GRCh37 (hg19) VCF-style: chr2-203395599-TGACTTTG-T.
Other names: short protein forms F352fs.
Identifiers: ClinVar variation 3663922 (VCV003663922.2).

ClinVar aggregate classification (germline): Pathogenic (1 of 4 stars; one submission).

Conditions:
Primary pulmonary hypertension. Also called: Idiopathic pulmonary hypertension. Identifiers: MedGen C0152171.

Submission:

Labcorp Genetics (formerly Invitae), Labcorp
Classification: Pathogenic for Primary pulmonary hypertension. Last evaluated: 2024-11-11. Review status: criteria provided, single submitter. Criteria: Invitae Variant Classification Sherloc (09022015). Collection method: clinical testing. Allele origin: germline.
Comment: This sequence change creates a premature translational stop signal (p.Phe352Cysfs*3) in the BMPR2 gene. It is expected to result in an absent or disrupted protein product. Loss-of-function variants in BMPR2 are known to be pathogenic (PMID: 16429395). This variant is not present in population databases (gnomAD no frequency). This variant has not been reported in the literature in individuals affected with BMPR2-related conditions. Algorithms developed to predict the effect of sequence changes on RNA splicing suggest that this variant may disrupt the consensus splice site. For these reasons, this variant has been classified as Pathogenic.

Literature cited by the submitters: PubMed 16429395.